The following is an entry in ClinVar:

NM_000883.4(IMPDH1):c.1589G>A (p.Gly530Asp)

Gene: IMPDH1 (inosine monophosphate dehydrogenase 1; minus strand). Cytogenetic location: 7q32.1.
Variant type: single nucleotide variant.
Coding change: c.1589G>A on transcript NM_000883.4 (MANE Select); coding-DNA position 1589, G replaced by A.
Protein change: p.Gly530Asp; replaces glycine 530 with aspartic acid.
Molecular consequence: missense variant.
Genome position (GRCh38, 1-based): chr7:128,394,561, C>T on the plus strand (G>A on the coding strand, the complement: IMPDH1 is on the minus strand). VCF-style: chr7-128394561-C-T. GRCh37 (hg19) VCF-style: chr7-128034615-C-T.
Other names: c.1559G>A, p.Gly520Asp (NM_001102605.2); c.1334G>A, p.Gly445Asp (NM_001142573.2); c.1319G>A, p.Gly440Asp (NM_001142574.2); c.1259G>A, p.Gly420Asp (NM_001142575.2); c.1490G>A, p.Gly497Asp (NM_001142576.2); c.1382G>A, p.Gly461Asp (NM_001304521.2); c.1481G>A, p.Gly494Asp (NM_183243.3); short protein forms G440D, G461D, G520D, G420D, G497D, G445D, G494D, G530D.
Identifiers: ClinVar variation 909033 (VCV000909033.11), dbSNP rs756992593, ClinGen allele CA4470778.

ClinVar aggregate classification (germline): Uncertain significance. Review status: criteria provided, multiple submitters, no conflicts (2 of 4 stars). 3 submissions from 2 submitters: Uncertain significance (3). Last evaluated 2023-11-27.

Conditions:
Retinitis pigmentosa (RP). Identifiers: Orphanet 791, MedGen C0035334, MeSH D012174, MONDO:0019200, OMIM 268000. Inheritance: Autosomal dominant, autosomal recessive and X linked inheritance.
Leber congenital amaurosis 11 (LCA11). Identifiers: Orphanet 65, MedGen C1840284, MONDO:0013454, OMIM 613837.

Allele frequency attached by ClinVar (database versions not stated): ExAC 0.00001; TOPMed 0.00001; gnomAD 0.00002; gnomAD exomes 0.00002.
gnomAD v4.1: 34 of 1,613,652 alleles (0.0021%); highest among the groups gnomAD compares: Non-Finnish European, 0.0026%; no homozygotes.

Submissions (3):

Labcorp Genetics (formerly Invitae), Labcorp
Classification: Uncertain significance. Last evaluated: 2023-11-27. Review status: criteria provided, single submitter. Criteria: Invitae Variant Classification Sherloc (09022015). Collection method: clinical testing. Allele origin: germline.
Comment: This sequence change replaces glycine, which is neutral and non-polar, with aspartic acid, which is acidic and polar, at codon 530 of the IMPDH1 protein (p.Gly530Asp). The frequency data for this variant in the population databases is considered unreliable, as metrics indicate poor data quality at this position in the gnomAD database. This missense change has been observed in individual(s) with retinal dystrophy (Invitae). ClinVar contains an entry for this variant (Variation ID: 909033). An algorithm developed to predict the effect of missense changes on protein structure and function (PolyPhen-2) suggests that this variant is likely to be disruptive. In summary, the available evidence is currently insufficient to determine the role of this variant in disease. Therefore, it has been classified as a Variant of Uncertain Significance.

Illumina Laboratory Services, Illumina
Classification: Uncertain significance for Leber congenital amaurosis 11. Last evaluated: 2018-01-12. Review status: criteria provided, single submitter. Criteria: ICSL Variant Classification Criteria 13 December 2019. Collection method: clinical testing. Allele origin: germline.

Illumina Laboratory Services, Illumina
Classification: Uncertain significance for Retinitis pigmentosa. Last evaluated: 2018-01-12. Review status: criteria provided, single submitter. Criteria: ICSL Variant Classification Criteria 13 December 2019. Collection method: clinical testing. Allele origin: germline.